The following is an entry in ClinVar:

NM_000051.4(ATM):c.6158C>T (p.Thr2053Ile)

Genes: ATM (ATM serine/threonine kinase; plus strand), C11orf65 (chromosome 11 open reading frame 65; minus strand). Cytogenetic location: 11q22.3.
Variant type: single nucleotide variant.
Coding change: c.6158C>T on transcript NM_000051.4 (MANE Select); coding-DNA position 6158, C replaced by T.
Protein change: p.Thr2053Ile; replaces threonine 2053 with isoleucine.
Molecular consequence: missense variant. On other transcripts: intron variant (2).
Genome position (GRCh38, 1-based): chr11:108,316,073, C>T. VCF-style: chr11-108316073-C-T. GRCh37 (hg19) VCF-style: chr11-108186800-C-T.
Other names: c.6158C>T, p.Thr2053Ile (NM_001351834.2); c.641-7002G>A (NM_001330368.2); c.*39-7002G>A (NM_001351110.2); short protein forms T2053I.
Identifiers: ClinVar variation 3606678 (VCV003606678.3).

ClinVar aggregate classification (germline): Uncertain significance. Review status: criteria provided, multiple submitters, no conflicts (2 of 4 stars). 2 submissions from 2 submitters: Uncertain significance (2). Last evaluated 2026-03-05.

Conditions:
Ataxia-telangiectasia syndrome (AT). Also called: LOUIS-BAR SYNDROME; Cerebello-oculocutaneous telangiectasia; Immunodeficiency with ataxia telangiectasia; ATAXIA-TELANGIECTASIA, COMPLEMENTATION GROUP A; ATAXIA-TELANGIECTASIA, FRESNO VARIANT; Ataxia-telangiectasia. Identifiers: Orphanet 100, MedGen C0004135, MONDO:0008840, OMIM 208900.

gnomAD v4.1: 1 of 1,614,098 alleles (0.000062%); no homozygotes.

Submissions (2):

Mendelics
Classification: Uncertain significance for Ataxia-telangiectasia syndrome. Last evaluated: 2026-03-05. Review status: criteria provided, single submitter. Criteria: ACMG Guidelines, 2015. Collection method: clinical testing. Allele origin: unknown.
Comment: The available evidence is insufficient to conclusively determine the role of this variant. Therefore, it is classified as a Variant of Uncertain Significance.

Labcorp Genetics (formerly Invitae), Labcorp
Classification: Uncertain significance for Ataxia-telangiectasia syndrome. Last evaluated: 2024-03-28. Review status: criteria provided, single submitter. Criteria: Invitae Variant Classification Sherloc (09022015). Collection method: clinical testing. Allele origin: germline.
Comment: This sequence change replaces threonine, which is neutral and polar, with isoleucine, which is neutral and non-polar, at codon 2053 of the ATM protein (p.Thr2053Ile). This variant is not present in population databases (gnomAD no frequency). This variant has not been reported in the literature in individuals affected with ATM-related conditions. An algorithm developed to predict the effect of missense changes on protein structure and function (PolyPhen-2) suggests that this variant is likely to be tolerated. In summary, the available evidence is currently insufficient to determine the role of this variant in disease. Therefore, it has been classified as a Variant of Uncertain Significance.